The following is an entry in ClinVar:

NM_177438.3(DICER1):c.1907+7C>T

Gene: DICER1 (dicer 1, ribonuclease III; minus strand). Cytogenetic location: 14q32.13.
Variant type: single nucleotide variant.
Coding change: c.1907+7C>T on transcript NM_177438.3 (MANE Select); 7 bases into the intron after coding-DNA position 1907, C replaced by T.
Molecular consequence: intron variant.
Genome position (GRCh38, 1-based): chr14:95,115,660, G>A on the plus strand (C>T on the coding strand, the complement: DICER1 is on the minus strand). VCF-style: chr14-95115660-G-A. GRCh37 (hg19) VCF-style: chr14-95581997-G-A.
Other names: c.1907+7C>T (NM_001291628.2, NM_030621.4, NM_001395677.1 and 12 more transcripts); c.1502+7C>T (NM_001395690.1, NM_001395687.1, NM_001395689.1 and 3 more transcripts); c.1625+7C>T (NM_001395686.1); c.1340+7C>T (NM_001395691.1); c.224+7C>T (NM_001395697.1).
Identifiers: ClinVar variation 4875841 (VCV004875841.1).

ClinVar aggregate classification (germline): Likely benign (1 of 4 stars; one submission).

Conditions:
DICER1-related tumor predisposition. Also called: DICER1-related pleuropulmonary blastoma cancer predisposition syndrome; DICER1 syndrome. Identifiers: Orphanet 284343, MedGen C3839822, MONDO:0100216.

Submission:

Myriad Genetics, Inc.
Classification: Likely benign for DICER1-related tumor predisposition. Last evaluated: 2026-04-13. Review status: criteria provided, single submitter. Criteria: Myriad Autosomal Dominant, Autosomal Recessive and X-Linked Classification Criteria (2023). Collection method: clinical testing. Allele origin: unknown.
Comment: This variant is considered likely benign. This variant is intronic and is not expected to impact mRNA splicing.